The following is an entry in ClinVar:

ClinVar aggregate classification (germline): Uncertain significance (1 of 4 stars; one submission).

Conditions:
Immunodeficiency, common variable, 10. Also called: DEFICIT IN ANTERIOR PITUITARY FUNCTION AND VARIABLE IMMUNODEFICIENCY; IMMUNODEFICIENCY, COMMON VARIABLE, WITH CENTRAL ADRENAL INSUFFICIENCY. Identifiers: MedGen C3809991, MONDO:0014260, OMIM 615577.

Submission:

Labcorp Genetics (formerly Invitae), Labcorp
Classification: Uncertain significance for Immunodeficiency, common variable, 10. Last evaluated: 2025-11-27. Review status: criteria provided, single submitter. Criteria: Invitae Variant Classification Sherloc (09022015). Collection method: clinical testing. Allele origin: germline.
Comment: This sequence change replaces phenylalanine, which is neutral and non-polar, with isoleucine, which is neutral and non-polar, at codon 545 of the NFKB2 protein (p.Phe545Ile). This variant is not present in population databases (gnomAD no frequency). This variant has not been reported in the literature in individuals affected with NFKB2-related conditions. An algorithm developed to predict the effect of missense changes on protein structure and function (PolyPhen-2) suggests that this variant is likely to be tolerated. In summary, the available evidence is currently insufficient to determine the role of this variant in disease. Therefore, it has been classified as a Variant of Uncertain Significance.

NM_001322934.2(NFKB2):c.1633T>A (p.Phe545Ile)

Gene: NFKB2 (nuclear factor kappa B subunit 2; plus strand). Cytogenetic location: 10q24.32.
Variant type: single nucleotide variant.
Coding change: c.1633T>A on transcript NM_001322934.2 (MANE Select); coding-DNA position 1633, T replaced by A.
Protein change: p.Phe545Ile; replaces phenylalanine 545 with isoleucine.
Molecular consequence: missense variant.
Genome position (GRCh38, 1-based): chr10:102,400,326, T>A. VCF-style: chr10-102400326-T-A. GRCh37 (hg19) VCF-style: chr10-104160083-T-A.
Other names: c.1633T>A, p.Phe545Ile (NM_001077494.3, NM_001261403.3, NM_001288724.1 and 1 more transcripts); c.1507T>A, p.Phe503Ile (NM_001322935.1); short protein forms F503I, F545I.
Identifiers: ClinVar variation 4803914 (VCV004803914.1).